The following is an entry in ClinVar:

NM_005120.3(MED12):c.4036C>T (p.Arg1346Cys)

Gene: MED12 (mediator complex subunit 12; plus strand). Cytogenetic location: Xq13.1.
Variant type: single nucleotide variant.
Coding change: c.4036C>T on transcript NM_005120.3 (MANE Select); coding-DNA position 4036, C replaced by T.
Protein change: p.Arg1346Cys; replaces arginine 1346 with cysteine.
Molecular consequence: missense variant.
Genome position (GRCh38, 1-based): chrX:71,130,203, C>T. VCF-style: chrX-71130203-C-T. GRCh37 (hg19) VCF-style: chrX-70350053-C-T.
Other names: short protein forms R1346C.
Identifiers: ClinVar variation 2145340 (VCV002145340.4), dbSNP rs745627308, ClinGen allele CA10444576.

ClinVar aggregate classification (germline): Uncertain significance (1 of 4 stars; one submission).

Conditions:
FG syndrome (FGS). Identifiers: MedGen C0220769, MONDO:0002010.

Allele frequency attached by ClinVar (database versions not stated): TOPMed below 0.00001; gnomAD 0.00001; gnomAD exomes 0.00001; ExAC 0.00002.
gnomAD v4.1: 7 of 1,205,374 alleles (0.00058%); highest among the groups gnomAD compares: African/African-American, 0.0017%; no homozygotes.

Submission:

Labcorp Genetics (formerly Invitae), Labcorp
Classification: Uncertain significance for FG syndrome. Last evaluated: 2025-12-06. Review status: criteria provided, single submitter. Criteria: Invitae Variant Classification Sherloc (09022015). Collection method: clinical testing. Allele origin: germline.
Comment: This sequence change replaces arginine, which is basic and polar, with cysteine, which is neutral and slightly polar, at codon 1346 of the MED12 protein (p.Arg1346Cys). This variant is not present in population databases (gnomAD no frequency). This variant has not been reported in the literature in individuals affected with MED12-related conditions. ClinVar contains an entry for this variant (Variation ID: 2145340). Invitae Evidence Modeling of protein sequence and biophysical properties (such as structural, functional, and spatial information, amino acid conservation, physicochemical variation, residue mobility, and thermodynamic stability) indicates that this missense variant is expected to disrupt MED12 protein function with a positive predictive value of 95%. In summary, the available evidence is currently insufficient to determine the role of this variant in disease. Therefore, it has been classified as a Variant of Uncertain Significance.